The following is an entry in ClinVar:

ClinVar aggregate classification (germline): Uncertain significance (1 of 4 stars; one submission).

gnomAD v4.1: 18 of 1,613,244 alleles (0.0011%); highest among the groups gnomAD compares: Admixed American, 0.0083%; no homozygotes.

Submission:

Women's Health and Genetics/Laboratory Corporation of America, LabCorp
Classification: Uncertain significance. Last evaluated: 2026-01-13. Review status: criteria provided, single submitter. Criteria: LabCorp Variant Classification Summary - May 2015. Collection method: clinical testing. Allele origin: germline.
Comment: Variant summary: PMM2 c.319A>G (p.Ile107Val) results in a conservative amino acid change in the encoded protein sequence. Algorithms developed to predict the effect of missense changes on protein structure and function are either unavailable or do not agree on the potential impact of this missense change. The variant allele was found at a frequency of 2.8e-05 in 251456 control chromosomes. The available data on variant occurrences in the general population are insufficient to allow any conclusion about variant significance. c.319A>G has been observed in at least one individual affected with primary ovarian insufficiency, without strong evidence of causality (example: Heddar__2022). This report does not provide unequivocal conclusions about association of the variant with Congenital Disorder Of Glycosylation Type 1a. To our knowledge, no experimental evidence demonstrating an impact on protein function has been reported. The following publication has been ascertained in the context of this evaluation (PMID: 36099812). No submitters have cited clinical-significance assessments for this variant to ClinVar. Based on the evidence outlined above, the variant was classified as uncertain significance.

Literature cited by the submitters: PubMed 36099812.

NM_000303.3(PMM2):c.319A>G (p.Ile107Val)

Gene: PMM2 (phosphomannomutase 2; plus strand). Cytogenetic location: 16p13.2.
Variant type: single nucleotide variant.
Coding change: c.319A>G on transcript NM_000303.3 (MANE Select); coding-DNA position 319, A replaced by G.
Protein change: p.Ile107Val; replaces isoleucine 107 with valine.
Molecular consequence: missense variant.
Genome position (GRCh38, 1-based): chr16:8,806,379, A>G. VCF-style: chr16-8806379-A-G. GRCh37 (hg19) VCF-style: chr16-8900236-A-G.
Other names: short protein forms I107V.
Identifiers: ClinVar variation 4689437 (VCV004689437.1).